The following is an entry in ClinVar:

NM_005097.4(LGI1):c.1124C>T (p.Ala375Val)

Gene: LGI1 (leucine rich glioma inactivated 1; plus strand). Cytogenetic location: 10q23.33.
Variant type: single nucleotide variant.
Coding change: c.1124C>T on transcript NM_005097.4 (MANE Select); coding-DNA position 1124, C replaced by T.
Protein change: p.Ala375Val; replaces alanine 375 with valine.
Molecular consequence: missense variant. On other transcripts: non-coding transcript variant (1), intron variant (1).
Genome position (GRCh38, 1-based): chr10:93,797,253, C>T. VCF-style: chr10-93797253-C-T. GRCh37 (hg19) VCF-style: chr10-95557010-C-T.
Other names: c.980C>T, p.Ala327Val (NM_001308276.2); c.839-496C>T (NM_001308275.2); short protein forms A375V, A327V.
Identifiers: ClinVar variation 951534 (VCV000951534.11), dbSNP rs778913748, ClinGen allele CA5611229.

ClinVar aggregate classification (germline): Uncertain significance (1 of 4 stars; one submission).

Conditions:
Autosomal dominant epilepsy with auditory features. Identifiers: Orphanet 101046, MedGen C1838062, MONDO:0010898.

Allele frequency attached by ClinVar (database versions not stated): gnomAD 0.00003 and 0.00004; TOPMed 0.00003.
gnomAD v4.1: 13 of 1,614,040 alleles (0.00081%); highest among the groups gnomAD compares: Admixed American, 0.012%; no homozygotes.

Submission:

Labcorp Genetics (formerly Invitae), Labcorp
Classification: Uncertain significance for Autosomal dominant epilepsy with auditory features. Last evaluated: 2025-08-30. Review status: criteria provided, single submitter. Criteria: Invitae Variant Classification Sherloc (09022015). Collection method: clinical testing. Allele origin: germline.
Comment: This sequence change replaces alanine, which is neutral and non-polar, with valine, which is neutral and non-polar, at codon 375 of the LGI1 protein (p.Ala375Val). This variant is present in population databases (rs778913748, gnomAD 0.01%). This missense change has been observed in individual(s) with clinical features of LGI1-related conditions (PMID: 32086284). ClinVar contains an entry for this variant (Variation ID: 951534). Invitae Evidence Modeling of protein sequence and biophysical properties (such as structural, functional, and spatial information, amino acid conservation, physicochemical variation, residue mobility, and thermodynamic stability) indicates that this missense variant is not expected to disrupt LGI1 protein function with a negative predictive value of 80%. In summary, the available evidence is currently insufficient to determine the role of this variant in disease. Therefore, it has been classified as a Variant of Uncertain Significance.

Literature cited by the submitters: PubMed 32086284.